The following is an entry in ClinVar:

NM_001032283.3(TMPO):c.565+1855A>C

Gene: TMPO (thymopoietin; plus strand). Cytogenetic location: 12q23.1.
Variant type: single nucleotide variant.
Coding change: c.565+1855A>C on transcript NM_001032283.3 (MANE Select); 1855 bases into the intron after coding-DNA position 565, A replaced by C.
Molecular consequence: intron variant. On other transcripts: missense variant (1).
Genome position (GRCh38, 1-based): chr12:98,533,693, A>C. VCF-style: chr12-98533693-A-C. GRCh37 (hg19) VCF-style: chr12-98927471-A-C.
Other names: c.1436A>C, p.Gln479Pro (NM_003276.2); c.565+1855A>C (NM_001307975.2, NM_001032284.3); short protein forms Q479P.
Identifiers: ClinVar variation 3458752 (VCV003458752.1).
Genomic context (GRCh38, chr12:98,533,693, plus strand): 5'-CTTTTGCCAAAACTGTTGTCTCTCATTCACTCACTACCTTAGGTCTAGAAGTGGCTAAGC[A>C]ATCACAGCATGATAAAATAGATGCCTCAGAACTATCTTTTCCCTTCCATGAATCTATTTT-3'

ClinVar aggregate classification (germline): Uncertain significance (1 of 4 stars; one submission).

gnomAD v4.1: 1 of 1,614,212 alleles (0.000062%); highest among the groups gnomAD compares: Non-Finnish European, 0.000085%; no homozygotes.

Submission:

Ambry Genetics
Classification: Uncertain significance. Last evaluated: 2024-07-28. Review status: criteria provided, single submitter. Criteria: Ambry Variant Classification Scheme 2023. Collection method: clinical testing. Allele origin: germline.
Comment: The p.Q479P variant (also known as c.1436A>C), located in coding exon 4 of the TMPO gene, results from an A to C substitution at nucleotide position 1436. The glutamine at codon 479 is replaced by proline, an amino acid with similar properties. This amino acid position is conserved. In addition, this alteration is predicted to be tolerated by in silico analysis. Based on the available evidence, the clinical significance of this variant remains unclear.